The following is an entry in ClinVar:

ClinVar aggregate classification (germline): Benign. Review status: criteria provided, single submitter (1 of 4 stars). 3 submissions from 3 submitters: Benign (1). 2 of the submissions do not count toward it. Last evaluated 2025-08-01.

Conditions:
HSPA1L-related disorder. Also called: HSPA1L-related condition.
Inflammatory bowel disease 1 (IBD1). Also called: Inflammatory bowel disease 1, Crohn disease; INFLAMMATORY BOWEL DISEASE (CROHN DISEASE) 1. Identifiers: MedGen CN260071, MONDO:0009960, OMIM 266600.

Allele frequency attached by ClinVar (database versions not stated): ESP Exome Variant Server 0.00092; gnomAD 0.00157 and 0.00213; TOPMed 0.00180; 1000 Genomes Project 30x 0.00453; gnomAD exomes 0.00491; 1000 Genomes Project 0.00499; ExAC 0.00503.
gnomAD v4.1: 4,753 of 1,614,152 alleles (0.29%); highest among the groups gnomAD compares: South Asian, 2.3%; 37 homozygotes.

Submissions (3):

CeGaT Center for Human Genetics Tuebingen
Classification: Benign. Last evaluated: 2025-08-01. Review status: criteria provided, single submitter. Criteria: CeGaT Center For Human Genetics Tuebingen Variant Classification Criteria Version 2. Collection method: clinical testing. Allele origin: germline. Affected: yes. Observed: 5 variant alleles.
Comment: HSPA1L: BS1, BS2

PreventionGenetics, part of Exact Sciences
Classification: Likely benign for HSPA1L-related condition. Last evaluated: 2022-12-28. Review status: no assertion criteria provided. Collection method: clinical testing. Allele origin: germline. Not counted in ClinVar's aggregate classification.
Comment: This variant is classified as likely benign based on ACMG/AMP sequence variant interpretation guidelines (Richards et al. 2015 PMID: 25741868, with internal and published modifications).

Human Development and Health, University of Southampton
Classification: association for Inflammatory bowel disease 1. Last evaluated: 2016-08-06. Review status: no assertion criteria provided. Collection method: research. Allele origin: inherited. Affected: yes. Study: Southampton Paediatric IBD Study. Not counted in ClinVar's aggregate classification.
Comment: HSPA1L loss of function - Our results indicate that de novo and rare mutations in HSPA1L are associated with IBD and provide insights into the pathogenesis of IBD

Literature cited by the submitters: PubMed 28126021 (cited by Human Development and Health, University of Southampton).

NM_005527.4(HSPA1L):c.802G>A (p.Ala268Thr)

Gene: HSPA1L (heat shock protein family A (Hsp70) member 1 like; minus strand). Cytogenetic location: 6p21.33.
Variant type: single nucleotide variant.
Coding change: c.802G>A on transcript NM_005527.4 (MANE Select); coding-DNA position 802, G replaced by A.
Protein change: p.Ala268Thr; replaces alanine 268 with threonine.
Molecular consequence: missense variant.
Genome position (GRCh38, 1-based): chr6:31,811,171, C>T on the plus strand (G>A on the coding strand, the complement: HSPA1L is on the minus strand). VCF-style: chr6-31811171-C-T. GRCh37 (hg19) VCF-style: chr6-31778948-C-T.
Other names: short protein forms A268T.
Identifiers: ClinVar variation 372132 (VCV000372132.28), dbSNP rs34620296, ClinGen allele CA3724007.